The following is an entry in ClinVar:

ClinVar aggregate classification (germline): Uncertain significance (1 of 4 stars; one submission).

Submission:

GeneDx
Classification: Uncertain significance. Last evaluated: 2018-07-23. Review status: criteria provided, single submitter. Criteria: GeneDx Variant Classification (06012015). Collection method: clinical testing. Allele origin: germline. Affected: yes.
Comment: The K400E variant has not been published as a pathogenic variant, nor has it been reported as a benign variant to our knowledge. The K400E variant is not observed in large population cohorts (Lek et al., 2016). The K400E variant is a non-conservative amino acid substitution, which is likely to impact secondary protein structure as these residues differ in polarity, charge, size and/or other properties. This substitution is predicted to be within the C-terminal cytoplasmic domain. However, in-silico analyses, including protein predictors and evolutionary conservation, support that this variant does not alter protein structure/function. Therefore, based on the currently available information, it is unclear whether this variant is a pathogenic variant or a rare benign variant.

NM_172107.4(KCNQ2):c.1198A>G (p.Lys400Glu)

Gene: KCNQ2 (potassium voltage-gated channel subfamily Q member 2; minus strand). Cytogenetic location: 20q13.33.
Variant type: single nucleotide variant.
Coding change: c.1198A>G on transcript NM_172107.4 (MANE Select); coding-DNA position 1198, A replaced by G.
Protein change: p.Lys400Glu; replaces lysine 400 with glutamic acid.
Molecular consequence: missense variant.
Genome position (GRCh38, 1-based): chr20:63,428,386, T>C on the plus strand (A>G on the coding strand, the complement: KCNQ2 is on the minus strand). VCF-style: chr20-63428386-T-C. GRCh37 (hg19) VCF-style: chr20-62059739-T-C.
Other names: p.K400E:AAA>GAA; c.1168A>G, p.Lys390Glu (NM_004518.6); c.1198A>G, p.Lys400Glu (NM_172106.3, NM_172108.5); short protein forms K400E, K390E.
Identifiers: ClinVar variation 205901 (VCV000205901.2), dbSNP rs796052647, ClinGen allele CA315436.
Genomic context (GRCh38, chr20:63,428,386, plus strand): 5'-CTGAGACGCCCACCCGCCCCACCTGGAGCTCCCCAGCTGACCTGAAAGCGAGTCCAGATT[T>C]ACTCTTGAGGTTCCTCAGCAGCTCCAGCTGGTTCAGCGGGGGGATAAGTCTGGGGCAAGA-3'
Protein context (NP_742105.1, residues 390-410): QLELLRNLKS[Lys400Glu]SGLAFRKDPP